The following is an entry in ClinVar:

ClinVar aggregate classification (germline): Likely benign (1 of 4 stars; one submission).

Conditions:
Hereditary cancer-predisposing syndrome. Also called: Hereditary neoplastic syndrome; Tumor predisposition; Hereditary Cancer Syndrome; Neoplastic Syndromes, Hereditary. Identifiers: Orphanet 140162, MedGen C0027672, MeSH D009386, MONDO:0015356.

Submission:

Institute for Biomarker Research, Medical Diagnostic Laboratories, L.L.C.
Classification: Likely benign for Hereditary cancer-predisposing syndrome. Last evaluated: 2025-02-06. Review status: criteria provided, single submitter. Criteria: ACMG Guidelines, 2015. Collection method: clinical testing. Allele origin: germline.
Comment: The 3' UTR variant NM_000455.5(STK11):c.*81_*84dupGCCC has not been reported previously as a pathogenic variant nor as a benign variant, to our knowledge. Although the variant is present at 0.0000% in gnomAD, it has the flag "AC0" and may not represent the true population frequency. The c.*81_*84dupGCCC variant is novel (not in any individuals) in 1kG. The c.*81_*84dupGCCC variant is a UTR variant. For these reasons, this variant has been classified as Likely Benign.

NM_000455.5(STK11):c.*77GCCC[3]

Gene: STK11 (serine/threonine kinase 11; plus strand). Cytogenetic location: 19p13.3.
Variant type: Microsatellite.
Coding change: c.*77GCCC[3] on transcript NM_000455.5 (MANE Select); three copies in a row of the 4-base unit GCCC starting at c.*77; the reference has two copies in a row; one copy, 4 bases duplicated.
Molecular consequence: 3 prime UTR variant. On other transcripts: non-coding transcript variant (1).
Genome position (GRCh38, 1-based): chr19:1,227,657-1,227,660, GCCC duplicated; duplicating any 4 consecutive bases within chr19:1,227,651-1,227,660 gives the same sequence; the position shown is the placement nearest the transcript's 3' end. VCF-style (leftmost placement, unchanged base first): chr19-1227650-T-TCCGC. GRCh37 (hg19) VCF-style: chr19-1227649-T-TCCGC.
Other names: c.*81_*84dupGCCC (NM_000455.5).
Identifiers: ClinVar variation 4294402 (VCV004294402.1), dbSNP rs1227655024.
Genomic context (GRCh38, chr19:1,227,650, plus strand): 5'-CAGCCCGTGTCCAGGAGCCCCGCCAGGTGCCCGCGCCAGGCCCTCAGTCTTCCTGCCGGT[T>TCCGC]CCGCCCGCCCTCCCGGAGAGGTGGCCGCCATGCTTCTGTGCCGACCACGCCCCAGGACCT-3'